The following is an entry in ClinVar:

ClinVar aggregate classification (germline): Benign (1 of 4 stars; one submission).

Conditions:
Weill-Marchesani 4 syndrome, recessive. Also called: Weill-Marchesani syndrome 4. Identifiers: Orphanet 363992, MedGen C2750787, MONDO:0013176, OMIM 613195.

Allele frequency attached by ClinVar (database versions not stated): TOPMed 0.01625; 1000 Genomes Project 0.01797.

Submission:

Illumina Laboratory Services, Illumina
Classification: Benign for Weill-Marchesani 4 syndrome, recessive. Last evaluated: 2018-01-12. Review status: criteria provided, single submitter. Criteria: ICSL Variant Classification Criteria 13 December 2019. Collection method: clinical testing. Allele origin: germline.
Comment: This variant was observed in the ICSL laboratory as part of a predisposition screen in an ostensibly healthy population. It had not been previously curated by ICSL or reported in the Human Gene Mutation Database (HGMD: prior to June 1st, 2018), and was therefore a candidate for classification through an automated scoring system. Utilizing variant allele frequency, disease prevalence and penetrance estimates, and inheritance mode, an automated score was calculated to assess if this variant is too frequent to cause the disease. Based on the score and internal cut-off values, a variant classified as benign is not then subjected to further curation. The score for this variant resulted in a classification of benign for this disease.

NM_139057.4(ADAMTS17):c.*1773G>T

Gene: ADAMTS17 (ADAM metallopeptidase with thrombospondin type 1 motif 17; minus strand). Cytogenetic location: 15q26.3.
Variant type: single nucleotide variant.
Coding change: c.*1773G>T on transcript NM_139057.4 (MANE Select); 1773 bases downstream of the stop codon, G replaced by T.
Molecular consequence: 3 prime UTR variant.
Genome position (GRCh38, 1-based): chr15:99,972,629, C>A on the plus strand (G>T on the coding strand, the complement: ADAMTS17 is on the minus strand). VCF-style: chr15-99972629-C-A. GRCh37 (hg19) VCF-style: chr15-100512834-C-A.
Identifiers: ClinVar variation 315173 (VCV000315173.5), dbSNP rs74037057, ClinGen allele CA10647644.